The following is an entry in ClinVar:

ClinVar aggregate classification (germline): Uncertain significance (1 of 4 stars; one submission).

gnomAD v4.1: 1 of 1,614,072 alleles (0.000062%); highest among the groups gnomAD compares: Non-Finnish European, 0.000085%; no homozygotes.

Submission:

Ambry Genetics
Classification: Uncertain significance. Last evaluated: 2026-02-19. Review status: criteria provided, single submitter. Criteria: Ambry Variant Classification Scheme 2023. Collection method: clinical testing. Allele origin: germline.
Comment: The p.T1085A variant (also known as c.3253A>G), located in coding exon 26 of the A2ML1 gene, results from an A to G substitution at nucleotide position 3253. The threonine at codon 1085 is replaced by alanine, an amino acid with similar properties. This amino acid position is conserved. In addition, this alteration is predicted to be tolerated by in silico analysis. Based on the available evidence, the clinical significance of this variant remains unclear.

NM_144670.6(A2ML1):c.3253A>G (p.Thr1085Ala)

Gene: A2ML1 (alpha-2-macroglobulin like 1; plus strand). Cytogenetic location: 12p13.31.
Variant type: single nucleotide variant.
Coding change: c.3253A>G on transcript NM_144670.6 (MANE Select); coding-DNA position 3253, A replaced by G.
Protein change: p.Thr1085Ala; replaces threonine 1085 with alanine.
Molecular consequence: missense variant.
Genome position (GRCh38, 1-based): chr12:8,858,091, A>G. VCF-style: chr12-8858091-A-G. GRCh37 (hg19) VCF-style: chr12-9010687-A-G.
Other names: c.1780A>G, p.Thr594Ala (NM_001282424.3); short protein forms T1085A, T594A.
Identifiers: ClinVar variation 4844958 (VCV004844958.1).